The following is an entry in ClinVar:

NM_000090.4(COL3A1):c.424G>A (p.Glu142Lys)

Gene: COL3A1 (collagen type III alpha 1 chain; plus strand). Cytogenetic location: 2q32.2.
Variant type: single nucleotide variant.
Coding change: c.424G>A on transcript NM_000090.4 (MANE Select); coding-DNA position 424, G replaced by A.
Protein change: p.Glu142Lys; replaces glutamic acid 142 with lysine.
Molecular consequence: missense variant.
Genome position (GRCh38, 1-based): chr2:188,985,755, G>A. VCF-style: chr2-188985755-G-A. GRCh37 (hg19) VCF-style: chr2-189850481-G-A.
Other names: short protein forms E142K.
Identifiers: ClinVar variation 4757419 (VCV004757419.1).

ClinVar aggregate classification (germline): Uncertain significance (1 of 4 stars; one submission).

Conditions:
Familial thoracic aortic aneurysm and aortic dissection (TAAD). Also called: Thoracic aortic aneurysms and dissections. Identifiers: Orphanet 91387, MedGen C4707243, MONDO:0019625.

Submission:

Color Diagnostics, LLC DBA Color Health
Classification: Uncertain significance for Familial thoracic aortic aneurysm and aortic dissection. Last evaluated: 2025-06-30. Review status: criteria provided, single submitter. Criteria: ACMG Guidelines, 2015. Collection method: clinical testing. Allele origin: germline.
Comment: This missense variant replaces glutamic acid with lysine at codon 142 of the COL3A1 protein. Computational prediction suggests that this variant may not impact protein structure and function. To our knowledge, functional studies have not been reported for this variant. This variant has not been reported in individuals affected with COL3A1-related disorders in the literature. This variant has not been identified in the general population by the Genome Aggregation Database (gnomAD). The available evidence is insufficient to determine the role of this variant in disease conclusively. Therefore, this variant is classified as a Variant of Uncertain Significance.